The following is an entry in ClinVar:

NM_005612.5(REST):c.1690A>C (p.Lys564Gln)

Gene: REST (RE1 silencing transcription factor; plus strand). Cytogenetic location: 4q12.
Variant type: single nucleotide variant.
Coding change: c.1690A>C on transcript NM_005612.5 (MANE Select); coding-DNA position 1690, A replaced by C.
Protein change: p.Lys564Gln; replaces lysine 564 with glutamine.
Molecular consequence: missense variant.
Genome position (GRCh38, 1-based): chr4:56,930,548, A>C. VCF-style: chr4-56930548-A-C. GRCh37 (hg19) VCF-style: chr4-57796714-A-C.
Other names: c.1690A>C, p.Lys564Gln (NM_001193508.2, NM_001363453.3); short protein forms K564Q.
Identifiers: ClinVar variation 3590647 (VCV003590647.3).

ClinVar aggregate classification (germline): Uncertain significance. Review status: criteria provided, multiple submitters, no conflicts (2 of 4 stars). 2 submissions from 2 submitters: Uncertain significance (2). Last evaluated 2024-06-28.

Conditions:
Autosomal dominant nonsyndromic hearing loss 27. Also called: Deafness, autosomal dominant 27. Identifiers: Orphanet 90635, MedGen C3887929, MONDO:0012902, OMIM 612431.
Wilms tumor 6 (WT6). Also called: WILMS TUMOR 6, SUSCEPTIBILITY TO. Identifiers: Orphanet 654, MedGen C3891301, MONDO:0014779, OMIM 616806.
Fibromatosis, gingival, 5. Also called: FIBROMATOSIS, GINGIVAL, HEREDITARY, 5. Identifiers: MedGen C4539942, MONDO:0033493, OMIM 617626.

gnomAD v4.1: 2 of 1,611,836 alleles (0.00012%); highest among the groups gnomAD compares: Non-Finnish European, 0.00017%; no homozygotes.

Submissions (2):

Labcorp Genetics (formerly Invitae), Labcorp
Classification: Uncertain significance. Last evaluated: 2024-06-28. Review status: criteria provided, single submitter. Criteria: Invitae Variant Classification Sherloc (09022015). Collection method: clinical testing. Allele origin: germline.
Comment: This sequence change replaces lysine, which is basic and polar, with glutamine, which is neutral and polar, at codon 564 of the REST protein (p.Lys564Gln). This variant is not present in population databases (gnomAD no frequency). This variant has not been reported in the literature in individuals affected with REST-related conditions. Algorithms developed to predict the effect of missense changes on protein structure and function output the following: SIFT: "Not Available"; PolyPhen-2: "Benign"; Align-GVGD: "Not Available". The glutamine amino acid residue is found in multiple mammalian species, which suggests that this missense change does not adversely affect protein function. In summary, the available evidence is currently insufficient to determine the role of this variant in disease. Therefore, it has been classified as a Variant of Uncertain Significance.

Fulgent Genetics
Classification: Uncertain significance for Autosomal dominant nonsyndromic hearing loss 27; Wilms tumor 6; Fibromatosis, gingival, 5. Last evaluated: 2024-01-17. Review status: criteria provided, single submitter. Criteria: ACMG Guidelines, 2015. Collection method: clinical testing. Allele origin: germline.